The following is an entry in ClinVar:

NM_000404.4(GLB1):c.553-1G>C

Gene: GLB1 (galactosidase beta 1; minus strand). Cytogenetic location: 3p22.3.
Variant type: single nucleotide variant.
Coding change: c.553-1G>C on transcript NM_000404.4 (MANE Select); the canonical splice acceptor site of the intron before coding-DNA position 553, G replaced by C.
Molecular consequence: splice acceptor variant. On other transcripts: intron variant (1).
Genome position (GRCh38, 1-based): chr3:33,058,270, C>G on the plus strand (G>C on the coding strand, the complement: GLB1 is on the minus strand). VCF-style: chr3-33058270-C-G. GRCh37 (hg19) VCF-style: chr3-33099762-C-G.
Other names: c.553-1G>C (NM_001393580.1); c.341-4721G>C (NM_001135602.3); c.697-1G>C (NM_001317040.2); c.463-1G>C (NM_001079811.3).
Identifiers: ClinVar variation 639100 (VCV000639100.4), dbSNP rs1575459735, ClinGen allele CA352004996.
Genomic context (GRCh38, chr3:33,058,270, plus strand): 5'-CTGCAGGAAGCGCAGGTAGTCAAAATCACAGGCAAAGTAGCTGCCATATTCATTTTCAAC[C>G]TGTGAGTGAAAAAAGAGCAGGGAAAAATGAGGAGATCCTAATGTAGCCACCCTAATGCAA-3'

ClinVar aggregate classification (germline): Pathogenic (1 of 4 stars; one submission).

Conditions:
GM1 gangliosidosis. Identifiers: Orphanet 354, MedGen C0085131, MONDO:0018149.
Mucopolysaccharidosis, MPS-IV-B (MPS4B). Also called: Mucopolysaccharidosis type 4B; Mucopolysaccharidosis Type IVB (Morquio B Disease); MORQUIO SYNDROME B; Mucopolysaccharidosis type IVB (Morquio); MPS IVB; Mucopolysaccharidosis type IV B. Identifiers: Orphanet 309310, Orphanet 582, MedGen C0086652, MONDO:0009660, OMIM 253010.

Submission:

Labcorp Genetics (formerly Invitae), Labcorp
Classification: Pathogenic for Mucopolysaccharidosis, MPS-IV-B; GM1 gangliosidosis. Last evaluated: 2018-11-11. Review status: criteria provided, single submitter. Criteria: Invitae Variant Classification Sherloc (09022015). Collection method: clinical testing. Allele origin: germline.
Comment: This sequence change affects an acceptor splice site in intron 5 of the GLB1 gene. It is expected to disrupt RNA splicing and likely results in an absent or disrupted protein product. For these reasons, this variant has been classified as Pathogenic. Donor and acceptor splice site variants typically lead to a loss of protein function (PMID: 16199547), and loss-of-function variants in GLB1 are known to be pathogenic (PMID: 18524657). Algorithms developed to predict the effect of sequence changes on RNA splicing suggest that this variant may disrupt the consensus splice site, but this prediction has not been confirmed by published transcriptional studies. Disruption of this splice site has been observed to segregate with GM1-gangliosidosis in a family (PMID: 27679996). This variant is not present in population databases (ExAC no frequency).

Literature cited by the submitters: PubMed 16199547; PubMed 18524657; PubMed 27679996.